The following is an entry in ClinVar:

NM_000052.7(ATP7A):c.2591A>T (p.Glu864Val)

Gene: ATP7A (ATPase copper transporting alpha; plus strand). Cytogenetic location: Xq21.1.
Variant type: single nucleotide variant.
Coding change: c.2591A>T on transcript NM_000052.7 (MANE Select); coding-DNA position 2591, A replaced by T.
Protein change: p.Glu864Val; replaces glutamic acid 864 with valine.
Molecular consequence: missense variant.
Genome position (GRCh38, 1-based): chrX:78,015,846, A>T. VCF-style: chrX-78015846-A-T. GRCh37 (hg19) VCF-style: chrX-77271343-A-T.
Other names: c.2357A>T, p.Glu786Val (NM_001282224.2); short protein forms E864V, E786V.
Identifiers: ClinVar variation 5007606 (VCV005007606.2).

ClinVar aggregate classification (germline): Uncertain significance (1 of 4 stars; one submission).

Conditions:
Menkes kinky-hair syndrome (MNK). Also called: Classic Menkes Disease; Menkes Disease; Copper transport disease. Identifiers: Orphanet 565, MedGen C0022716, MONDO:0010651, OMIM 309400.
X-linked distal spinal muscular atrophy type 3. Also called: ATP7A-Related Distal Motor Neuropathy; SPINAL MUSCULAR ATROPHY, DISTAL, X-LINKED RECESSIVE; NEURONOPATHY, DISTAL HEREDITARY MOTOR, X-LINKED; NEUROPATHY, DISTAL HEREDITARY MOTOR, X-LINKED. Identifiers: Orphanet 139557, MedGen C1845359, MONDO:0010338, OMIM 300489.
Cutis laxa, X-linked (OHS). Also called: EDS IX; Occipital horn syndrome. Identifiers: Orphanet 198, MedGen C0268353, MONDO:0010572, OMIM 304150.

Submission:

Juno Genomics, Hangzhou Juno Genomics, Inc
Classification: Uncertain significance for X-linked distal spinal muscular atrophy type 3; Menkes kinky-hair syndrome; Cutis laxa, X-linked. Review status: criteria provided, single submitter. Criteria: ACMG Guidelines, 2015. Collection method: clinical testing. Allele origin: germline.
Comment: Absent from controls (or at extremely low frequency if recessive) in Genome Aggregation Database.;Multiple lines of computational evidence support a deleterious effect on the gene or gene product.